The following is an entry in ClinVar:

ClinVar aggregate classification (germline): Conflicting classifications of pathogenicity. Review status: criteria provided, conflicting classifications (1 of 4 stars). 2 submissions from 2 submitters: Uncertain significance (1); Likely benign (1). Last evaluated 2024-02-17.

Conditions:
Inborn genetic diseases. Identifiers: MedGen C0950123, MeSH D030342.

Allele frequency attached by ClinVar (database versions not stated): gnomAD 0.00001.
gnomAD v4.1: 19 of 1,614,008 alleles (0.0012%); highest among the groups gnomAD compares: Admixed American, 0.032%; no homozygotes.

Submissions (2):

Ambry Genetics
Classification: Likely benign for Inborn genetic diseases. Last evaluated: 2024-02-17. Review status: criteria provided, single submitter. Criteria: Ambry Variant Classification Scheme 2023. Collection method: clinical testing. Allele origin: germline.

Labcorp Genetics (formerly Invitae), Labcorp
Classification: Uncertain significance. Last evaluated: 2022-07-01. Review status: criteria provided, single submitter. Criteria: Invitae Variant Classification Sherloc (09022015). Collection method: clinical testing. Allele origin: germline.
Comment: This variant has not been reported in the literature in individuals affected with ANK3-related conditions. In summary, the available evidence is currently insufficient to determine the role of this variant in disease. Therefore, it has been classified as a Variant of Uncertain Significance. Algorithms developed to predict the effect of missense changes on protein structure and function are either unavailable or do not agree on the potential impact of this missense change (SIFT: "Not Available"; PolyPhen-2: "Probably Damaging"; Align-GVGD: "Not Available"). This variant is present in population databases (rs374607736, gnomAD 0.05%). This sequence change replaces valine, which is neutral and non-polar, with leucine, which is neutral and non-polar, at codon 3992 of the ANK3 protein (p.Val3992Leu).

NM_020987.5(ANK3):c.11974G>T (p.Val3992Leu)

Gene: ANK3 (ankyrin 3; minus strand). Cytogenetic location: 10q21.2.
Variant type: single nucleotide variant.
Coding change: c.11974G>T on transcript NM_020987.5 (MANE Select); coding-DNA position 11974, G replaced by T.
Protein change: p.Val3992Leu; replaces valine 3992 with leucine.
Molecular consequence: missense variant. On other transcripts: intron variant (4).
Genome position (GRCh38, 1-based): chr10:60,068,907, C>A on the plus strand (G>T on the coding strand, the complement: ANK3 is on the minus strand). VCF-style: chr10-60068907-C-A. GRCh37 (hg19) VCF-style: chr10-61828665-C-A.
Other names: c.11974G>T (NM_020987.3); c.4388-898G>T (NM_001204403.2); c.4409-898G>T (NM_001204404.2); c.4406-898G>T (NM_001320874.2); c.1808-898G>T (NM_001149.4); short protein forms V3992L.
Identifiers: ClinVar variation 2081767 (VCV002081767.5), dbSNP rs374607736, ClinGen allele CA5510994.
Genomic context (GRCh38, chr10:60,068,907, plus strand): 5'-CCACAAGCTTTAAGGTCTCACCACTAATTCCCTTAAAATATTCAATGGAATGTTTACATA[C>A]TTCCTTGAGCTGACTTTTCCTAACTTTAACTGTGCAGCTGGTGGTGGTGGTAGTGGTGGT-3'
Protein context (NP_066267.2, residues 3982-4002): VKVRKSQLKE[Val3992Leu]CKHSIEYFKG